The following is an entry in ClinVar:

ClinVar aggregate classification (germline): Uncertain significance (1 of 4 stars; one submission).

Conditions:
Developmental and epileptic encephalopathy, 37 (DEE37). Also called: Epileptic encephalopathy, early infantile, 37. Identifiers: MedGen C4310770, MONDO:0014859, OMIM 616981.

gnomAD v4.1: 1 of 1,191,292 alleles (0.000084%); no homozygotes.

Submission:

Labcorp Genetics (formerly Invitae), Labcorp
Classification: Uncertain significance for Developmental and epileptic encephalopathy, 37. Last evaluated: 2025-01-06. Review status: criteria provided, single submitter. Criteria: Invitae Variant Classification Sherloc (09022015). Collection method: clinical testing. Allele origin: germline.
Comment: This sequence change replaces alanine, which is neutral and non-polar, with valine, which is neutral and non-polar, at codon 82 of the FRRS1L protein (p.Ala82Val). The frequency data for this variant in the population databases is considered unreliable, as metrics indicate insufficient coverage at this position in the gnomAD database. This variant has not been reported in the literature in individuals affected with FRRS1L-related conditions. ClinVar contains an entry for this variant (Variation ID: 2421224). An algorithm developed to predict the effect of missense changes on protein structure and function (PolyPhen-2) suggests that this variant is likely to be disruptive. In summary, the available evidence is currently insufficient to determine the role of this variant in disease. Therefore, it has been classified as a Variant of Uncertain Significance.

NM_014334.4(FRRS1L):c.92C>T (p.Ala31Val)

Gene: FRRS1L (ferric chelate reductase 1 like; minus strand). Cytogenetic location: 9q31.3.
Variant type: single nucleotide variant.
Coding change: c.92C>T on transcript NM_014334.4 (MANE Select); coding-DNA position 92, C replaced by T.
Protein change: p.Ala31Val; replaces alanine 31 with valine.
Molecular consequence: missense variant.
Genome position (GRCh38, 1-based): chr9:109,167,047, G>A on the plus strand (C>T on the coding strand, the complement: FRRS1L is on the minus strand). VCF-style: chr9-109167047-G-A. GRCh37 (hg19) VCF-style: chr9-111929327-G-A.
Other names: short protein forms A31V.
Identifiers: ClinVar variation 2421224 (VCV002421224.8), dbSNP rs2538515808, ClinGen allele CA374430516.